The following is an entry in ClinVar:

NM_001145373.3(OTUD1):c.310C>T (p.Leu104=)

Genes: OTUD1 (OTU deubiquitinase 1; plus strand), LOC130003513 (ATAC-STARR-seq lymphoblastoid silent region 2218; plus strand). Cytogenetic location: 10p12.2.
Variant type: single nucleotide variant.
Coding change: c.310C>T on transcript NM_001145373.3 (MANE Select); coding-DNA position 310, C replaced by T.
Protein change: p.Leu104=; no amino-acid change (leucine 104 retained).
Molecular consequence: synonymous variant.
Genome position (GRCh38, 1-based): chr10:23,439,767, C>T. VCF-style: chr10-23439767-C-T. GRCh37 (hg19) VCF-style: chr10-23728696-C-T.
Identifiers: ClinVar variation 3043264 (VCV003043264.2), dbSNP rs928035411, ClinGen allele CA204763292.

ClinVar aggregate classification (germline): Likely benign (0 of 4 stars; one submission).

Conditions:
OTUD1-related disorder. Also called: OTUD1-related condition.

Allele frequency attached by ClinVar (database versions not stated): TOPMed 0.00018; gnomAD 0.00019; gnomAD exomes 0.00067.
gnomAD v4.1: 696 of 1,157,304 alleles (0.06%); highest among the groups gnomAD compares: Non-Finnish European, 0.071%; 2 homozygotes.

Submission:

PreventionGenetics, part of Exact Sciences
Classification: Likely benign for OTUD1-related condition. Last evaluated: 2019-06-27. Review status: no assertion criteria provided. Collection method: clinical testing. Allele origin: germline.
Comment: This variant is classified as likely benign based on ACMG/AMP sequence variant interpretation guidelines (Richards et al. 2015 PMID: 25741868, with internal and published modifications).